The following is an entry in ClinVar:

ClinVar aggregate classification (germline): Uncertain significance (1 of 4 stars; one submission).

Submission:

Labcorp Genetics (formerly Invitae), Labcorp
Classification: Uncertain significance. Last evaluated: 2025-11-21. Review status: criteria provided, single submitter. Criteria: Invitae Variant Classification Sherloc (09022015). Collection method: clinical testing. Allele origin: germline.
Comment: This sequence change replaces aspartic acid, which is acidic and polar, with tyrosine, which is neutral and polar, at codon 856 of the ALPK3 protein (p.Asp856Tyr). This variant is not present in population databases (gnomAD no frequency). This variant has not been reported in the literature in individuals affected with ALPK3-related conditions. Invitae Evidence Modeling of protein sequence and biophysical properties (such as structural, functional, and spatial information, amino acid conservation, physicochemical variation, residue mobility, and thermodynamic stability) indicates that this missense variant is not expected to disrupt ALPK3 protein function with a negative predictive value of 80%. In summary, the available evidence is currently insufficient to determine the role of this variant in disease. Therefore, it has been classified as a Variant of Uncertain Significance.

NM_020778.5(ALPK3):c.1960G>T (p.Asp654Tyr)

Gene: ALPK3 (alpha kinase 3; plus strand). Cytogenetic location: 15q25.3.
Variant type: single nucleotide variant.
Coding change: c.1960G>T on transcript NM_020778.5 (MANE Select); coding-DNA position 1960, G replaced by T.
Protein change: p.Asp654Tyr; replaces aspartic acid 654 with tyrosine.
Molecular consequence: missense variant.
Genome position (GRCh38, 1-based): chr15:84,856,698, G>T. VCF-style: chr15-84856698-G-T. GRCh37 (hg19) VCF-style: chr15-85399929-G-T.
Other names: short protein forms D654Y.
Identifiers: ClinVar variation 4743811 (VCV004743811.1).